The following is an entry in ClinVar:

ClinVar aggregate classification (germline): Likely benign (0 of 4 stars; one submission).

Conditions:
FA2H-related disorder. Also called: FA2H-related condition.

Allele frequency attached by ClinVar (database versions not stated): gnomAD 0.00001; gnomAD exomes 0.00001; TOPMed 0.00001.
gnomAD v4.1: 11 of 1,301,146 alleles (0.00085%); highest among the groups gnomAD compares: Admixed American, 0.013%; no homozygotes.

Submission:

PreventionGenetics, part of Exact Sciences
Classification: Likely benign for FA2H-related condition. Last evaluated: 2019-09-23. Review status: no assertion criteria provided. Collection method: clinical testing. Allele origin: germline.
Comment: This variant is classified as likely benign based on ACMG/AMP sequence variant interpretation guidelines (Richards et al. 2015 PMID: 25741868, with internal and published modifications).

NM_024306.5(FA2H):c.-1C>A

Genes: FA2H (fatty acid 2-hydroxylase; minus strand), LOC130059394 (ATAC-STARR-seq lymphoblastoid silent region 7701; plus strand). Cytogenetic location: 16q23.1.
Variant type: single nucleotide variant.
Coding change: c.-1C>A on transcript NM_024306.5 (MANE Select); 1 bases upstream of the start codon, C replaced by A.
Molecular consequence: 5 prime UTR variant.
Genome position (GRCh38, 1-based): chr16:74,774,756, G>T on the plus strand (C>A on the coding strand, the complement: FA2H is on the minus strand). VCF-style: chr16-74774756-G-T. GRCh37 (hg19) VCF-style: chr16-74808654-G-T.
Identifiers: ClinVar variation 3040848 (VCV003040848.2), dbSNP rs1400863649, ClinGen allele CA723875369.